The following is an entry in ClinVar:

NM_002076.4(GNS):c.76C>G (p.Leu26Val)

Gene: GNS (glucosamine (N-acetyl)-6-sulfatase; minus strand). Cytogenetic location: 12q14.3.
Variant type: single nucleotide variant.
Coding change: c.76C>G on transcript NM_002076.4 (MANE Select); coding-DNA position 76, C replaced by G.
Protein change: p.Leu26Val; replaces leucine 26 with valine.
Molecular consequence: missense variant.
Genome position (GRCh38, 1-based): chr12:64,759,201, G>C on the plus strand (C>G on the coding strand, the complement: GNS is on the minus strand). VCF-style: chr12-64759201-G-C. GRCh37 (hg19) VCF-style: chr12-65152981-G-C.
Other names: short protein forms L26V.
Identifiers: ClinVar variation 2079576 (VCV002079576.1), dbSNP rs1000939393, ClinGen allele CA238302519.

ClinVar aggregate classification (germline): Uncertain significance (1 of 4 stars; one submission).

Conditions:
Mucopolysaccharidosis, MPS-III-D (MPS3D). Also called: N-ACETYLGLUCOSAMINE-6-SULFATASE DEFICIENCY; SANFILIPPO SYNDROME D; MPS III D; Mucopoly-saccharidosis type 3D; N-acetylglucosamine-6-sulfate sulfatase deficiency; MPS 3D. Identifiers: Orphanet 581, Orphanet 79272, MedGen C0086650, MONDO:0009658, OMIM 252940.

Allele frequency attached by ClinVar (database versions not stated): gnomAD exomes 0.00001; TOPMed below 0.00001.
gnomAD v4.1: 17 of 1,548,234 alleles (0.0011%); highest among the groups gnomAD compares: Non-Finnish European, 0.0013%; no homozygotes.

Submission:

Labcorp Genetics (formerly Invitae), Labcorp
Classification: Uncertain significance for Mucopolysaccharidosis, MPS-III-D. Last evaluated: 2022-02-14. Review status: criteria provided, single submitter. Criteria: Invitae Variant Classification Sherloc (09022015). Collection method: clinical testing. Allele origin: germline.
Comment: This sequence change replaces leucine, which is neutral and non-polar, with valine, which is neutral and non-polar, at codon 26 of the GNS protein (p.Leu26Val). This variant is not present in population databases (gnomAD no frequency). This variant has not been reported in the literature in individuals affected with GNS-related conditions. Algorithms developed to predict the effect of missense changes on protein structure and function are either unavailable or do not agree on the potential impact of this missense change (SIFT: "Deleterious"; PolyPhen-2: "Benign"; Align-GVGD: "Class C0"). In summary, the available evidence is currently insufficient to determine the role of this variant in disease. Therefore, it has been classified as a Variant of Uncertain Significance.